The following is an entry in ClinVar:

ClinVar aggregate classification (germline): Uncertain significance (1 of 4 stars; one submission).

Allele frequency attached by ClinVar (database versions not stated): gnomAD exomes 0.00001; ExAC 0.00002; gnomAD 0.00009; TOPMed 0.00012.
gnomAD v4.1: 26 of 1,614,070 alleles (0.0016%); highest among the groups gnomAD compares: African/African-American, 0.033%; no homozygotes.

Submission:

GeneDx
Classification: Uncertain significance. Last evaluated: 2023-05-11. Review status: criteria provided, single submitter. Criteria: GeneDx Variant Classification Process June 2021. Collection method: clinical testing. Allele origin: germline. Affected: yes.
Comment: In silico analysis supports that this missense variant does not alter protein structure/function; Has not been previously published as pathogenic or benign to our knowledge

NM_144508.5(KNL1):c.3991A>C (p.Asn1331His)

Gene: KNL1 (kinetochore scaffold 1; plus strand). Cytogenetic location: 15q15.1.
Variant type: single nucleotide variant.
Coding change: c.3991A>C on transcript NM_144508.5 (MANE Select); coding-DNA position 3991, A replaced by C.
Protein change: p.Asn1331His; replaces asparagine 1331 with histidine.
Molecular consequence: missense variant.
Genome position (GRCh38, 1-based): chr15:40,624,255, A>C. VCF-style: chr15-40624255-A-C. GRCh37 (hg19) VCF-style: chr15-40916453-A-C.
Other names: c.4069A>C, p.Asn1357His (NM_170589.5); short protein forms N1331H, N1357H.
Identifiers: ClinVar variation 2662353 (VCV002662353.1), dbSNP rs763028076, ClinGen allele CA7483104.